The following is an entry in ClinVar:

ClinVar aggregate classification (germline): Uncertain significance (1 of 4 stars; one submission).

Conditions:
Bloom syndrome (BLM). Also called: Bloom-Torre-Machacek syndrome. Identifiers: Orphanet 125, MedGen C0005859, MONDO:0008876, OMIM 210900.

Submission:

Labcorp Genetics (formerly Invitae), Labcorp
Classification: Uncertain significance for Bloom syndrome. Last evaluated: 2024-02-17. Review status: criteria provided, single submitter. Criteria: Invitae Variant Classification Sherloc (09022015). Collection method: clinical testing. Allele origin: germline.
Comment: This sequence change replaces arginine, which is basic and polar, with glycine, which is neutral and non-polar, at codon 859 of the BLM protein (p.Arg859Gly). This variant is not present in population databases (gnomAD no frequency). This variant has not been reported in the literature in individuals affected with BLM-related conditions. Advanced modeling of protein sequence and biophysical properties (such as structural, functional, and spatial information, amino acid conservation, physicochemical variation, residue mobility, and thermodynamic stability) performed at Invitae indicates that this missense variant is expected to disrupt BLM protein function with a positive predictive value of 80%. In summary, the available evidence is currently insufficient to determine the role of this variant in disease. Therefore, it has been classified as a Variant of Uncertain Significance.

NM_000057.4(BLM):c.2575A>G (p.Arg859Gly)

Gene: BLM (BLM RecQ like helicase; plus strand). Cytogenetic location: 15q26.1.
Variant type: single nucleotide variant.
Coding change: c.2575A>G on transcript NM_000057.4 (MANE Select); coding-DNA position 2575, A replaced by G.
Protein change: p.Arg859Gly; replaces arginine 859 with glycine.
Molecular consequence: missense variant.
Genome position (GRCh38, 1-based): chr15:90,782,841, A>G. VCF-style: chr15-90782841-A-G. GRCh37 (hg19) VCF-style: chr15-91326071-A-G.
Other names: c.2575A>G, p.Arg859Gly (NM_001287246.2, NM_001287247.2); c.1450A>G, p.Arg484Gly (NM_001287248.2); short protein forms R484G, R859G.
Identifiers: ClinVar variation 3603736 (VCV003603736.2).